The following is an entry in ClinVar:

ClinVar aggregate classification (germline): Uncertain significance (1 of 4 stars; one submission).

Conditions:
Hereditary cancer-predisposing syndrome. Also called: Neoplastic Syndromes, Hereditary; Hereditary Cancer Syndrome; Hereditary neoplastic syndrome; Tumor predisposition. Identifiers: Orphanet 140162, MedGen C0027672, MeSH D009386, MONDO:0015356.

Submission:

Ambry Genetics
Classification: Uncertain significance for Hereditary cancer-predisposing syndrome. Last evaluated: 2023-04-18. Review status: criteria provided, single submitter. Criteria: Ambry Variant Classification Scheme 2023. Collection method: clinical testing. Allele origin: germline.
Comment: The p.E1069D variant (also known as c.3207A>C), located in coding exon 21 of the TSC1 gene, results from an A to C substitution at nucleotide position 3207. The glutamic acid at codon 1069 is replaced by aspartic acid, an amino acid with highly similar properties. This amino acid position is conserved. In addition, this alteration is predicted to be tolerated by in silico analysis. Since supporting evidence is limited at this time, the clinical significance of this alteration remains unclear.

NM_000368.5(TSC1):c.3207A>C (p.Glu1069Asp)

Gene: TSC1 (TSC complex subunit 1; minus strand). Cytogenetic location: 9q34.13.
Variant type: single nucleotide variant.
Coding change: c.3207A>C on transcript NM_000368.5 (MANE Select); coding-DNA position 3207, A replaced by C.
Protein change: p.Glu1069Asp; replaces glutamic acid 1069 with aspartic acid.
Molecular consequence: missense variant. On other transcripts: non-coding transcript variant (5).
Genome position (GRCh38, 1-based): chr9:132,896,523, T>G on the plus strand (A>C on the coding strand, the complement: TSC1 is on the minus strand). VCF-style: chr9-132896523-T-G. GRCh37 (hg19) VCF-style: chr9-135771910-T-G.
Other names: c.3204A>C, p.Glu1068Asp (NM_001162426.2, NM_001406597.1, NM_001406598.1 and 2 more transcripts); c.3054A>C, p.Glu1018Asp (NM_001162427.2, NM_001406610.1); c.2844A>C, p.Glu948Asp (NM_001362177.2, NM_001406614.1, NM_001406615.1 and 4 more transcripts); c.3207A>C, p.Glu1069Asp (NM_001406592.1, NM_001406593.1, NM_001406594.1 and 2 more transcripts); c.3192A>C, p.Glu1064Asp (NM_001406601.1, NM_001406602.1); c.3189A>C, p.Glu1063Asp (NM_001406603.1, NM_001406604.1); c.3165A>C, p.Glu1055Asp (NM_001406605.1, NM_001406606.1, NM_001406607.1); c.3162A>C, p.Glu1054Asp (NM_001406608.1, NM_001406609.1); and 8 more; short protein forms E1018D, E1055D, E934D, E947D, E948D, E1064D, E1068D, E1003D.
Identifiers: ClinVar variation 2562857 (VCV002562857.2), dbSNP rs878853966, ClinGen allele CA375367015.